The following is an entry in ClinVar:

ClinVar aggregate classification (germline): Uncertain significance (1 of 4 stars; one submission).

Conditions:
Long QT syndrome (LQTS). Identifiers: MedGen C0023976, MeSH D008133, MONDO:0002442. Disease mechanism: loss of function. Inheritance: Various modes of inheritance.

Submission:

Labcorp Genetics (formerly Invitae), Labcorp
Classification: Uncertain significance for Long QT syndrome. Last evaluated: 2023-03-03. Review status: criteria provided, single submitter. Criteria: Invitae Variant Classification Sherloc (09022015). Collection method: clinical testing. Allele origin: germline.
Comment: This sequence change replaces glutamine, which is neutral and polar, with lysine, which is basic and polar, at codon 3137 of the AKAP9 protein (p.Gln3137Lys). In summary, the available evidence is currently insufficient to determine the role of this variant in disease. Therefore, it has been classified as a Variant of Uncertain Significance. An algorithm developed to predict the effect of missense changes on protein structure and function (PolyPhen-2) suggests that this variant is likely to be disruptive. This variant has not been reported in the literature in individuals affected with AKAP9-related conditions. This variant is not present in population databases (gnomAD no frequency).

NM_005751.5(AKAP9):c.9409C>A (p.Gln3137Lys)

Gene: AKAP9 (A-kinase anchoring protein 9; plus strand). Cytogenetic location: 7q21.2.
Variant type: single nucleotide variant.
Coding change: c.9409C>A on transcript NM_005751.5 (MANE Select); coding-DNA position 9409, C replaced by A.
Protein change: p.Gln3137Lys; replaces glutamine 3137 with lysine.
Molecular consequence: missense variant.
Genome position (GRCh38, 1-based): chr7:92,093,147, C>A. VCF-style: chr7-92093147-C-A. GRCh37 (hg19) VCF-style: chr7-91722461-C-A.
Other names: c.4054C>A, p.Gln1352Lys (NM_001379277.1); c.9385C>A, p.Gln3129Lys (NM_147185.3); short protein forms Q3137K, Q3129K, Q1352K.
Identifiers: ClinVar variation 2842497 (VCV002842497.3), dbSNP rs771738197, ClinGen allele CA368146714.
Genomic context (GRCh38, chr7:92,093,147, plus strand): 5'-TTCTGTGTAGAACTCTTGGAATATAATATACAGCAGAAGCAGTCTCAAATGCTGGAGATG[C>A]AAGTGGAGCTCAGCAGTATGAAAGACAGAGCAACGGAACTGCAGGAGCAGCTGAGTTCTG-3'
Protein context (NP_005742.4, residues 3127-3147): QQKQSQMLEM[Gln3137Lys]VELSSMKDRA